The following is an entry in ClinVar:

NC_000009.11:g.(?_130605363)_(130605542_?)dup

Gene: ENG (endoglin; minus strand). Cytogenetic location: 9q34.11.
Variant type: Duplication.
Identifiers: ClinVar variation 3245084 (VCV003245084.1).

ClinVar aggregate classification (germline): Pathogenic (1 of 4 stars; one submission).

Conditions:
Hereditary hemorrhagic telangiectasia (HHT). Also called: ORW DISEASE; Osler Weber Rendu syndrome; OSLER-RENDU-WEBER DISEASE; Osler hemorrhagic telangiectasia syndrome. Identifiers: Orphanet 774, MedGen C0039445, MONDO:0019180. Disease mechanism: loss of function.

Submission:

Labcorp Genetics (formerly Invitae), Labcorp
Classification: Pathogenic for Hereditary hemorrhagic telangiectasia. Last evaluated: 2023-09-17. Review status: criteria provided, single submitter. Criteria: Invitae Variant Classification Sherloc (09022015). Collection method: clinical testing. Allele origin: unknown.
Comment: This variant results in a copy number gain of the genomic region encompassing exon(s) 2 of the ENG gene. While the exact position of this variant cannot be determined from the data, sub-genic copy number gains are generally in tandem (PMID: 25640679). This variant is predicted to be out-of-frame, and may result in an absent or disrupted protein product. Loss-of-function variants in ENG are known to be pathogenic (PMID: 15879500). A similar copy number variant has been observed in individuals with hereditary hemorrhagic telangiectasia (PMID: 25970827; Invitae). For these reasons, this variant has been classified as Pathogenic.

Literature cited by the submitters: PubMed 25640679; PubMed 15879500; PubMed 25970827.